The following is an entry in ClinVar:

ClinVar aggregate classification (germline): Likely pathogenic (1 of 4 stars; one submission).

Conditions:
Alpha-N-acetylgalactosaminidase deficiency type 1. Also called: SCHINDLER DISEASE, TYPE I; ALPHA-N-ACETYLGALACTOSAMINIDASE DEFICIENCY, TYPE I; NAGA DEFICIENCY, TYPE I; NEUROAXONAL DYSTROPHY, SCHINDLER TYPE. Identifiers: Orphanet 3137, Orphanet 79279, Orphanet 79281, MedGen C1836544, MONDO:0012221, OMIM 609241.

Submission:

Labcorp Genetics (formerly Invitae), Labcorp
Classification: Likely pathogenic for Alpha-N-acetylgalactosaminidase deficiency type 1. Last evaluated: 2023-03-12. Review status: criteria provided, single submitter. Criteria: Invitae Variant Classification Sherloc (09022015). Collection method: clinical testing. Allele origin: unknown.
Comment: In summary, the currently available evidence indicates that the variant is pathogenic, but additional data are needed to prove that conclusively. Therefore, this variant has been classified as Likely Pathogenic. This variant has not been reported in the literature in individuals affected with NAGA-related conditions. This variant results in a copy number gain of the genomic region encompassing exon(s) 2-6 of the NAGA gene. While the exact position of this variant cannot be determined from the data, sub-genic copy number gains are generally in tandem (PMID: 25640679). This variant is predicted to be out-of-frame, and may result in an absent or disrupted protein product. Loss-of-function variants in NAGA are known to be pathogenic (PMID: 8782044, 11251574).

Literature cited by the submitters: PubMed 25640679; PubMed 8782044; PubMed 11251574.

NC_000022.10:g.(?_42461722)_(42464598_?)dup

Gene: NAGA (alpha-N-acetylgalactosaminidase; minus strand). Cytogenetic location: 22q13.2.
Variant type: Duplication.
Identifiers: ClinVar variation 3247602 (VCV003247602.1).